The following is an entry in ClinVar:

ClinVar aggregate classification (germline): Uncertain significance (1 of 4 stars; one submission).

Allele frequency attached by ClinVar (database versions not stated): gnomAD exomes below 0.00001; ExAC 0.00001.
gnomAD v4.1: 4 of 1,614,194 alleles (0.00025%); highest among the groups gnomAD compares: Non-Finnish European, 0.00034%; no homozygotes.

Submission:

Labcorp Genetics (formerly Invitae), Labcorp
Classification: Uncertain significance. Last evaluated: 2023-06-27. Review status: criteria provided, single submitter. Criteria: Invitae Variant Classification Sherloc (09022015). Collection method: clinical testing. Allele origin: germline.
Comment: In summary, the available evidence is currently insufficient to determine the role of this variant in disease. Therefore, it has been classified as a Variant of Uncertain Significance. Advanced modeling of protein sequence and biophysical properties (such as structural, functional, and spatial information, amino acid conservation, physicochemical variation, residue mobility, and thermodynamic stability) performed at Invitae indicates that this missense variant is not expected to disrupt FLNB protein function. This variant has not been reported in the literature in individuals affected with FLNB-related conditions. This variant is present in population databases (rs769060297, gnomAD 0.0009%). This sequence change replaces proline, which is neutral and non-polar, with serine, which is neutral and polar, at codon 1885 of the FLNB protein (p.Pro1885Ser).

NM_001457.4(FLNB):c.5653C>T (p.Pro1885Ser)

Gene: FLNB (filamin B; plus strand). Cytogenetic location: 3p14.3.
Variant type: single nucleotide variant.
Coding change: c.5653C>T on transcript NM_001457.4 (MANE Select); coding-DNA position 5653, C replaced by T.
Protein change: p.Pro1885Ser; replaces proline 1885 with serine.
Molecular consequence: missense variant.
Genome position (GRCh38, 1-based): chr3:58,146,918, C>T. VCF-style: chr3-58146918-C-T. GRCh37 (hg19) VCF-style: chr3-58132645-C-T.
Other names: c.5746C>T, p.Pro1916Ser (NM_001164317.2); c.5620C>T, p.Pro1874Ser (NM_001164318.2); c.5581C>T, p.Pro1861Ser (NM_001164319.2); short protein forms P1861S, P1885S, P1916S, P1874S.
Identifiers: ClinVar variation 3011750 (VCV003011750.3), dbSNP rs769060297, ClinGen allele CA2469128.